The following is an entry in ClinVar:

ClinVar aggregate classification (germline): Conflicting classifications of pathogenicity. Review status: criteria provided, conflicting classifications (1 of 4 stars). 5 submissions from 5 submitters: Uncertain significance (3); Likely benign (2). Last evaluated 2025-10-01.

Conditions:
Cardiovascular phenotype. Identifiers: MedGen CN230736.
Cardiomyopathy (CMYO). Also called: Cardiomyopathies. Identifiers: Orphanet 167848, MedGen C0878544, MONDO:0004994, HP:0001638. Inheritance: Various modes of inheritance.
Hypertrophic cardiomyopathy. Also called: HYPERTROPHIC MYOCARDIOPATHY. Identifiers: Orphanet 217569, MedGen C0007194, MeSH D002312, MONDO:0005045, HP:0001639.

Allele frequency attached by ClinVar (database versions not stated): gnomAD exomes 0.00001; TOPMed 0.00001; gnomAD 0.00003 and 0.00004.
gnomAD v4.1: 7 of 1,614,022 alleles (0.00043%); highest among the groups gnomAD compares: African/African-American, 0.008%; no homozygotes.

Submissions (5):

Labcorp Genetics (formerly Invitae), Labcorp
Classification: Likely benign for Hypertrophic cardiomyopathy. Last evaluated: 2025-10-01. Review status: criteria provided, single submitter. Criteria: Invitae Variant Classification Sherloc (09022015). Collection method: clinical testing. Allele origin: germline.

Ambry Genetics
Classification: Uncertain significance for Cardiovascular phenotype. Last evaluated: 2023-06-15. Review status: criteria provided, single submitter. Criteria: Ambry General Variant Classification Scheme_2022. Collection method: clinical testing. Allele origin: germline.
Comment: The c.503-5C>T intronic variant results from a C to T substitution 5 nucleotides upstream from coding exon 4 in the MYH7 gene. This nucleotide position is well conserved in available vertebrate species. In silico splice site analysis predicts that this alteration will not have any significant effect on splicing. Since supporting evidence is limited at this time, the clinical significance of this alteration remains unclear.

All of Us Research Program, National Institutes of Health
Classification: Uncertain significance for Cardiomyopathy. Last evaluated: 2023-04-27. Review status: criteria provided, single submitter. Criteria: ACMG Guidelines, 2015. Collection method: clinical testing. Allele origin: germline. Inheritance: Autosomal dominant inheritance. Observed: 2 variant alleles, 2 heterozygotes.
Comment: This study involves interpretation of variants in research participants for the purpose of population health screening. Participant phenotype was not available at the time of variant classification. Additional details can be found in publication PMID: 35346344, PMCID: PMC8962531

Color Diagnostics, LLC DBA Color Health
Classification: Likely benign for Cardiomyopathy. Last evaluated: 2019-09-04. Review status: criteria provided, single submitter. Criteria: ACMG Guidelines, 2015. Collection method: clinical testing. Allele origin: germline.

Laboratory for Molecular Medicine, Mass General Brigham Personalized Medicine
Classification: Uncertain significance. Last evaluated: 2010-05-28. Review status: criteria provided, single submitter. Criteria: LMM Criteria. Collection method: clinical testing. Allele origin: germline. Observed: 1 variant allele.
Comment: Variant classified as Uncertain Significance - Favor Pathogenic.

NM_000257.4(MYH7):c.503-5C>T

Gene: MYH7 (myosin heavy chain 7; minus strand). Cytogenetic location: 14q11.2.
Variant type: single nucleotide variant.
Coding change: c.503-5C>T on transcript NM_000257.4 (MANE Select); 5 bases into the intron before coding-DNA position 503, C replaced by T.
Molecular consequence: intron variant.
Genome position (GRCh38, 1-based): chr14:23,432,511, G>A on the plus strand (C>T on the coding strand, the complement: MYH7 is on the minus strand). VCF-style: chr14-23432511-G-A. GRCh37 (hg19) VCF-style: chr14-23901720-G-A.
Identifiers: ClinVar variation 43053 (VCV000043053.14), dbSNP rs397516236, ClinGen allele CA015605.
Genomic context (GRCh38, chr14:23,432,511, plus strand): 5'-AAGGGAATACAGTAGCAGCTACACTCACGTGATCAGGATGGACTGGTTTTCTCTGTCTGT[G>A]GGGAGAGGGTGGGGAGGAAAGGTCAGGAGCTGCACAGGATGCTCTCGTGGGGCTTCTCCC-3'